The following is an entry in ClinVar:

ClinVar aggregate classification (germline): Uncertain significance (1 of 4 stars; one submission).

Conditions:
Complex neurodevelopmental disorder. Identifiers: Orphanet 528084, MedGen C5568766, MONDO:0100038.

Submission:

Molecular Genetics, Royal Melbourne Hospital
Classification: Uncertain significance for Complex neurodevelopmental disorder. Last evaluated: 2024-11-04. Review status: criteria provided, single submitter. Criteria: ACMG Guidelines, 2015. Collection method: clinical testing. Allele origin: germline. Inheritance: Autosomal dominant inheritance. Affected: yes.
Comment: This sequence change in CLCN3 is predicted to replace methionine with valine at codon 675, p.(Met675Val). The methionine residue is highly conserved (100 vertebrates, Multiz Alignments), and is located in the CBS domain. There is a small physicochemical difference between methionine and valine. CLCN3, in which the variant was identified, is a gene significantly constrained for missense variation and where pathogenic missense variants are a common mechanism of disease (gnomAD v4.1). The highest population minor allele frequency in the population database gnomAD v4.1 is 0.0002% (2/1,179,956 alleles) in the European (non-Finnish) population. To our knowledge, this variant has not been previously reported in the relevant scientific literature or databases. Computational evidence is uninformative for the missense substitution (REVEL = 0.433) and predicts no impact on splicing (SpliceAI) for the nucleotide change. Based on the classification scheme RMH Modified ACMG/AMP Guidelines v1.7.0, this variant is classified as a VARIANT OF UNCERTAIN SIGNIFICANCE. Following criteria are met: PM2_Supporting, PP2

NM_001829.4(CLCN3):c.2023A>G (p.Met675Val)

Gene: CLCN3 (chloride voltage-gated channel 3; plus strand). Cytogenetic location: 4q33.
Variant type: single nucleotide variant.
Coding change: c.2023A>G on transcript NM_001829.4 (MANE Select); coding-DNA position 2023, A replaced by G.
Protein change: p.Met675Val; replaces methionine 675 with valine.
Molecular consequence: missense variant.
Genome position (GRCh38, 1-based): chr4:169,707,140, A>G. VCF-style: chr4-169707140-A-G. GRCh37 (hg19) VCF-style: chr4-170628291-A-G.
Other names: c.1942A>G, p.Met648Val (NM_001243372.2, NM_001243374.2); c.2023A>G, p.Met675Val (NM_173872.4); short protein forms M648V, M675V.
Identifiers: ClinVar variation 3773774 (VCV003773774.1).